The following is an entry in ClinVar:

ClinVar aggregate classification (germline): Uncertain significance. Review status: criteria provided, single submitter (1 of 4 stars). 2 submissions from 1 submitter: Uncertain significance (2). Last evaluated 2017-04-28.

Conditions:
Generalized juvenile polyposis/juvenile polyposis coli. Also called: Juvenile polyposis coli. Identifiers: Orphanet 329971, MedGen C1868081, MONDO:0008276.
Juvenile polyposis syndrome (JPS). Identifiers: Orphanet 2929, MedGen C0345893, MONDO:0017380, OMIM 174900.

Submissions (2):

Labcorp Genetics (formerly Invitae), Labcorp
Classification: Uncertain significance for Juvenile polyposis syndrome. Last evaluated: 2017-04-28. Review status: criteria provided, single submitter. Criteria: Invitae Variant Classification Sherloc (09022015). Collection method: clinical testing. Allele origin: germline.
Comment: This variant is a gross duplication of the genomic region encompassing the promoter and exons 3-4 of the BMPR1A gene. The 5' end of this event is unknown as it extends beyond the assayed region for this gene and therefore may encompass additional genes. The 3' boundary is likely confined to intron 4 of the BMPR1A gene. Duplication of BMPR1A exons 3-4 has not been reported in the literature in individuals with a BMPR1A-related disorder. Experimental studies and prediction algorithms are not available for this variant, and the functional significance of this duplication is currently unknown. In summary, the exact genomic location of this variant is unknown and the impact of this duplication on BMPR1A protein function has not been established. Therefore, it has been classified as a Variant of Uncertain Significance.

Labcorp Genetics (formerly Invitae), Labcorp
Classification: Uncertain significance for Juvenile polyposis syndrome. Last evaluated: 2017-04-18. Review status: criteria provided, single submitter. Criteria: Invitae Variant Classification Sherloc (09022015). Collection method: clinical testing. Allele origin: germline.
Comment: In summary, the exact genomic location of this variant is unknown and the impact of this duplication on BMPR1A protein function has not been established. Therefore, it has been classified as a Variant of Uncertain Significance. Experimental studies and prediction algorithms are not available for this variant, and the functional significance of this duplication is currently unknown. Duplication of BMPR1A exons 3-4 has not been reported in the literature in individuals with a BMPR1A-related disorder. This variant is a gross duplication of the genomic region encompassing the promoter and exons 3-4 of the BMPR1A gene. The 5' end of this event is unknown as it extends beyond the assayed region for this gene and therefore may encompass additional genes. The 3' boundary is likely confined to intron 4 of the BMPR1A gene.

NC_000010.10:g.(?_88598623)_(88649987_?)dup

Gene: BMPR1A (bone morphogenetic protein receptor type 1A; plus strand). Cytogenetic location: 10q23.2.
Variant type: Duplication.
Identifiers: ClinVar variation 1007543 (VCV001007543.5).